The following is an entry in ClinVar:

NM_181741.4(ORC4):c.763-10_763-9del

Gene: ORC4 (origin recognition complex subunit 4; minus strand). Cytogenetic location: 2q23.1.
Variant type: Deletion.
Coding change: c.763-10_763-9del on transcript NM_181741.4 (MANE Select); 10 bases into the intron before coding-DNA position 763 through 9 bases into the intron before coding-DNA position 763, 2 bases deleted (TT; older notation c.763-10_763-9delTT).
Molecular consequence: intron variant.
Genome position (GRCh38, 1-based): chr2:147,943,531-147,943,532, AA deleted on the plus strand (TT on the coding strand, the reverse complement: ORC4 is on the minus strand); deleting any 2 consecutive bases within chr2:147,943,531-147,943,545 gives the same sequence; the c. name uses the placement nearest the transcript's 3' end. VCF-style (leftmost placement, unchanged base first): chr2-147943530-GAA-G. GRCh37 (hg19) VCF-style: chr2-148701099-GAA-G.
Other names: c.763-10_763-9del (NM_181742.4, NM_001190879.3, NM_002552.5 and 1 more transcripts); c.511-10_511-9del (NM_001190881.3, NM_001374272.1); c.541-10_541-9del (NM_001190882.3); c.763-10_763-9delTT (NM_001190879.2).
Identifiers: ClinVar variation 403281 (VCV000403281.4), dbSNP rs66919703, ClinGen allele CA1899508.

ClinVar aggregate classification (germline): Benign (1 of 4 stars; one submission).

Submission:

Laboratory for Molecular Medicine, Mass General Brigham Personalized Medicine
Classification: Benign. Last evaluated: 2016-03-28. Review status: criteria provided, single submitter. Criteria: LMM Criteria. Collection method: clinical testing. Allele origin: germline.
Comment: Variant identified in a genome or exome case(s) and assessed due to predicted null impact of the variant or pathogenic assertions in the literature or databases. Disclaimer: This variant has not undergone full assessment. The following are preliminary notes: Frequency